The following is an entry in ClinVar:

NM_000245.4(MET):c.1730G>A (p.Gly577Glu)

Gene: MET (MET proto-oncogene, receptor tyrosine kinase; plus strand). Cytogenetic location: 7q31.2.
Variant type: single nucleotide variant.
Coding change: c.1730G>A on transcript NM_000245.4 (MANE Select); coding-DNA position 1730, G replaced by A.
Protein change: p.Gly577Glu; replaces glycine 577 with glutamic acid.
Molecular consequence: missense variant.
Genome position (GRCh38, 1-based): chr7:116,755,383, G>A. VCF-style: chr7-116755383-G-A. GRCh37 (hg19) VCF-style: chr7-116395437-G-A.
Other names: c.1730G>A, p.Gly577Glu (NM_001127500.3, NM_001324401.3); c.440G>A, p.Gly147Glu (NM_001324402.2); short protein forms G147E, G577E.
Identifiers: ClinVar variation 2802422 (VCV002802422.3), dbSNP rs2116909013, ClinGen allele CA368977663.

ClinVar aggregate classification (germline): Uncertain significance (1 of 4 stars; one submission).

Conditions:
Renal cell carcinoma. Identifiers: Orphanet 217071, MedGen C0007134, MeSH D002292, MONDO:0005086, HP:0005584.

Submission:

Labcorp Genetics (formerly Invitae), Labcorp
Classification: Uncertain significance for Renal cell carcinoma. Last evaluated: 2023-12-12. Review status: criteria provided, single submitter. Criteria: Invitae Variant Classification Sherloc (09022015). Collection method: clinical testing. Allele origin: germline.
Comment: This sequence change replaces glycine, which is neutral and non-polar, with glutamic acid, which is acidic and polar, at codon 577 of the MET protein (p.Gly577Glu). This variant is not present in population databases (gnomAD no frequency). This variant has not been reported in the literature in individuals affected with MET-related conditions. Advanced modeling of protein sequence and biophysical properties (such as structural, functional, and spatial information, amino acid conservation, physicochemical variation, residue mobility, and thermodynamic stability) performed at Invitae indicates that this missense variant is expected to disrupt MET protein function with a positive predictive value of 80%. In summary, the available evidence is currently insufficient to determine the role of this variant in disease. Therefore, it has been classified as a Variant of Uncertain Significance.